The following is an entry in ClinVar:

ClinVar aggregate classification (germline): Uncertain significance (1 of 4 stars; one submission).

Conditions:
Cardiovascular phenotype. Identifiers: MedGen CN230736.

Submission:

Ambry Genetics
Classification: Uncertain significance for Cardiovascular phenotype. Last evaluated: 2025-01-20. Review status: criteria provided, single submitter. Criteria: Ambry Variant Classification Scheme 2023. Collection method: clinical testing. Allele origin: germline.
Comment: The p.R206Q variant (also known as c.617G>A), located in coding exon 4 of the CBL gene, results from a G to A substitution at nucleotide position 617. The arginine at codon 206 is replaced by glutamine, an amino acid with highly similar properties. This amino acid position is conserved. In addition, this alteration is predicted to be deleterious by in silico analysis. Based on the available evidence, the clinical significance of this variant remains unclear.

NM_005188.4(CBL):c.617G>A (p.Arg206Gln)

Gene: CBL (Cbl proto-oncogene; plus strand). Cytogenetic location: 11q23.3.
Variant type: single nucleotide variant.
Coding change: c.617G>A on transcript NM_005188.4 (MANE Select); coding-DNA position 617, G replaced by A.
Protein change: p.Arg206Gln; replaces arginine 206 with glutamine.
Molecular consequence: missense variant.
Genome position (GRCh38, 1-based): chr11:119,273,894, G>A. VCF-style: chr11-119273894-G-A. GRCh37 (hg19) VCF-style: chr11-119144604-G-A.
Other names: short protein forms R206Q.
Identifiers: ClinVar variation 3827773 (VCV003827773.1).